The following is an entry in ClinVar:

ClinVar aggregate classification (germline): Pathogenic (1 of 4 stars; one submission).

Submission:

GeneDx
Classification: Pathogenic. Last evaluated: 2025-09-26. Review status: criteria provided, single submitter. Criteria: GeneDx Variant Classification Process June 2021. Collection method: clinical testing. Allele origin: germline. Affected: yes.
Comment: Nonsense variant predicted to result in protein truncation or nonsense mediated decay in a gene for which loss of function is a known mechanism of disease; Not observed at significant frequency in large population cohorts (gnomAD); Has not been previously published as pathogenic or benign to our knowledge

NM_014159.7(SETD2):c.4486C>T (p.Arg1496Ter)

Gene: SETD2 (SET domain containing 2, histone lysine methyltransferase; minus strand). Cytogenetic location: 3p21.31.
Variant type: single nucleotide variant.
Coding change: c.4486C>T on transcript NM_014159.7 (MANE Select); coding-DNA position 4486, C replaced by T.
Protein change: p.Arg1496Ter; replaces arginine 1496 with a stop codon.
Molecular consequence: nonsense. On other transcripts: non-coding transcript variant (1).
Genome position (GRCh38, 1-based): chr3:47,116,723, G>A on the plus strand (C>T on the coding strand, the complement: SETD2 is on the minus strand). VCF-style: chr3-47116723-G-A. GRCh37 (hg19) VCF-style: chr3-47158213-G-A.
Other names: c.4354C>T, p.Arg1452Ter (NM_001349370.3); short protein forms R1452*, R1496*.
Identifiers: ClinVar variation 1213369 (VCV001213369.4), dbSNP rs2107728809, ClinGen allele CA352516533.